The following is an entry in ClinVar:

NM_022114.4(PRDM16):c.1885G>A (p.Val629Met)

Gene: PRDM16 (PR/SET domain 16; plus strand). Cytogenetic location: 1p36.32.
Variant type: single nucleotide variant.
Coding change: c.1885G>A on transcript NM_022114.4 (MANE Select); coding-DNA position 1885, G replaced by A.
Protein change: p.Val629Met; replaces valine 629 with methionine.
Molecular consequence: missense variant.
Genome position (GRCh38, 1-based): chr1:3,412,082, G>A. VCF-style: chr1-3412082-G-A. GRCh37 (hg19) VCF-style: chr1-3328646-G-A.
Other names: c.1885G>A, p.Val629Met (NM_199454.3); short protein forms V629M.
Identifiers: ClinVar variation 2903481 (VCV002903481.3), dbSNP rs568518616, ClinGen allele CA544324.

ClinVar aggregate classification (germline): Uncertain significance (1 of 4 stars; one submission).

Conditions:
Left ventricular noncompaction 8 (LVNC8). Identifiers: Orphanet 154, Orphanet 54260, MedGen C3809288, MONDO:0014152, OMIM 615373.

Allele frequency attached by ClinVar (database versions not stated): ExAC 0.00003; TOPMed 0.00003; gnomAD 0.00005; 1000 Genomes Project 30x 0.00016; 1000 Genomes Project 0.00020.
gnomAD v4.1: 50 of 1,595,168 alleles (0.0031%); highest among the groups gnomAD compares: Admixed American, 0.01%; no homozygotes.

Submission:

Labcorp Genetics (formerly Invitae), Labcorp
Classification: Uncertain significance for Left ventricular noncompaction 8. Last evaluated: 2024-11-03. Review status: criteria provided, single submitter. Criteria: Invitae Variant Classification Sherloc (09022015). Collection method: clinical testing. Allele origin: germline.
Comment: This sequence change replaces valine, which is neutral and non-polar, with methionine, which is neutral and non-polar, at codon 629 of the PRDM16 protein (p.Val629Met). This variant is present in population databases (rs568518616, gnomAD 0.009%). This missense change has been observed in individual(s) with dilated cardiomyopathy (PMID: 31983221). ClinVar contains an entry for this variant (Variation ID: 2903481). An algorithm developed to predict the effect of missense changes on protein structure and function (PolyPhen-2) suggests that this variant is likely to be tolerated. In summary, the available evidence is currently insufficient to determine the role of this variant in disease. Therefore, it has been classified as a Variant of Uncertain Significance.

Literature cited by the submitters: PubMed 31983221.